The following is an entry in ClinVar:

ClinVar aggregate classification (germline): Likely pathogenic (1 of 4 stars; one submission).

Conditions:
Feingold syndrome type 1 (FGLDS1). Also called: MICROCEPHALY, MENTAL RETARDATION, AND TRACHEOESOPHAGEAL FISTULA SYNDROME; MICROCEPHALY-OCULO-DIGITO-ESOPHAGEAL-DUODENAL SYNDROME; OCULODIGITOESOPHAGODUODENAL SYNDROME; ODED SYNDROME; MICROCEPHALY AND DIGITAL ABNORMALITIES WITH NORMAL INTELLIGENCE. Identifiers: Orphanet 1305, Orphanet 391641, MedGen C4551774, MONDO:0008115, OMIM 164280.

Submission:

3billion
Classification: Likely pathogenic for Feingold syndrome type 1. Last evaluated: 2024-12-31. Review status: criteria provided, single submitter. Criteria: ACMG Guidelines, 2015. Collection method: clinical testing. Allele origin: germline. Affected: yes.
Comment: The variant is not observed in the gnomAD v4.1.0 dataset. Predicted Consequence/Location: Frameshift: predicted to result in a loss or disruption of normal protein function through nonsense-mediated decay (NMD) or protein truncation. Multiple pathogenic variants are reported downstream of the variant. Therefore, this variant is classified as Likely pathogenic according to the recommendation of ACMG/AMP guideline.

NM_005378.6(MYCN):c.713_714del (p.Arg238fs)

Gene: MYCN (MYCN proto-oncogene, bHLH transcription factor; plus strand). Cytogenetic location: 2p24.3.
Variant type: Microsatellite.
Coding change: c.713_714del on transcript NM_005378.6 (MANE Select); coding-DNA positions 713 to 714, 2 bases deleted (GC; older notation c.713_714delGC).
Protein change: p.Arg238fs; shifts the reading frame from arginine 238.
Molecular consequence: frameshift variant. On other transcripts: 3 prime UTR variant (1), intron variant (1).
Genome position (GRCh38, 1-based): chr2:15,942,777-15,942,778, GC deleted; deleting any 2 consecutive bases within chr2:15,942,774-15,942,778 gives the same sequence; the c. name uses the placement nearest the transcript's 3' end. VCF-style (leftmost placement, unchanged base first): chr2-15942773-CCG-C. GRCh37 (hg19) VCF-style: chr2-16082895-CCG-C.
Other names: c.713_714del, p.Arg238fs (NM_001293228.2); c.*646GC[1] (NM_001293233.2); c.157+2034_157+2035del (NM_001293231.2); short protein forms R238fs.
Identifiers: ClinVar variation 4291971 (VCV004291971.1).